The following is an entry in ClinVar:

ClinVar aggregate classification (germline): Benign/Likely benign. Review status: criteria provided, multiple submitters, no conflicts (2 of 4 stars). 9 submissions from 6 submitters: Benign (2); Likely benign (6). 1 of the submissions does not count toward it. Last evaluated 2026-02-03.

Conditions:
Hereditary cancer-predisposing syndrome. Also called: Neoplastic Syndromes, Hereditary; Tumor predisposition; Hereditary Cancer Syndrome; Hereditary neoplastic syndrome. Identifiers: Orphanet 140162, MedGen C0027672, MeSH D009386, MONDO:0015356.
Neonatal severe primary hyperparathyroidism. Identifiers: Orphanet 417, MedGen C1832615, MONDO:0009397, OMIM 239200.
Nephrolithiasis/nephrocalcinosis. Identifiers: MedGen CN580796.
Autosomal dominant hypocalcemia 1 (HYPOC1). Also called: HYPOCALCEMIA, FAMILIAL. Identifiers: MedGen C3715128, MONDO:0011013, OMIM 601198.
CASR-related disorder. Also called: CASR-related condition.
Familial hypocalciuric hypercalcemia (FHH). Also called: Familial benign hypercalcemia. Identifiers: Orphanet 405, MedGen C1809471, MONDO:0018458.
Familial hypocalciuric hypercalcemia 1. Also called: Hypercalcemia, familial benign type 1. Identifiers: Orphanet 405, Orphanet 93372, MedGen C0342637, MONDO:0007791, OMIM 145980.
Familial hypoparathyroidism. Also called: Familial isolated hypoparathyroidism. Identifiers: Orphanet 2238, MedGen C1832648, MONDO:0016390.

Allele frequency attached by ClinVar (database versions not stated): 1000 Genomes Project 30x 0.00016; 1000 Genomes Project 0.00020; TOPMed 0.00027; ExAC 0.00038; gnomAD exomes 0.00044; gnomAD 0.00051.

Submissions (9):

Labcorp Genetics (formerly Invitae), Labcorp
Classification: Benign for Familial hypocalciuric hypercalcemia; Autosomal dominant hypocalcemia 1. Last evaluated: 2026-02-03. Review status: criteria provided, single submitter. Criteria: Invitae Variant Classification Sherloc (09022015). Collection method: clinical testing. Allele origin: germline.

Blueprint Genetics
Classification: Likely benign. Last evaluated: 2024-03-19. Review status: criteria provided, single submitter. Criteria: ACMG Guidelines, 2015. Collection method: clinical testing. Allele origin: germline.

Sema4
Classification: Likely benign for Hereditary cancer-predisposing syndrome. Last evaluated: 2021-11-27. Review status: criteria provided, single submitter. Criteria: Sema4 Curation Guidelines. Collection method: curation. Allele origin: germline.

Ambry Genetics
Classification: Likely benign for Nephrolithiasis/nephrocalcinosis. Last evaluated: 2019-05-02. Review status: criteria provided, single submitter. Criteria: Ambry Variant Classification Scheme 2023. Collection method: clinical testing. Allele origin: germline.

Illumina Laboratory Services, Illumina
Classification: Likely benign for Familial hypocalciuric hypercalcemia 1. Last evaluated: 2018-01-13. Review status: criteria provided, single submitter. Criteria: ICSL Variant Classification Criteria 13 December 2019. Collection method: clinical testing. Allele origin: germline.
Comment: This variant was observed in the ICSL laboratory as part of a predisposition screen in an ostensibly healthy population. It had not been previously curated by ICSL or reported in the Human Gene Mutation Database (HGMD: prior to June 1st, 2018), and was therefore a candidate for classification through an automated scoring system. Utilizing variant allele frequency, disease prevalence and penetrance estimates, and inheritance mode, an automated score was calculated to assess if this variant is too frequent to cause the disease. Based on the score and internal cut-off values, a variant classified as likely benign is not then subjected to further curation. The score for this variant resulted in a classification of likely benign for this disease.

Illumina Laboratory Services, Illumina
Classification: Benign for Familial isolated hypoparathyroidism. Last evaluated: 2018-01-13. Review status: criteria provided, single submitter. Criteria: ICSL Variant Classification Criteria 13 December 2019. Collection method: clinical testing. Allele origin: germline.
Comment: This variant was observed in the ICSL laboratory as part of a predisposition screen in an ostensibly healthy population. It had not been previously curated by ICSL or reported in the Human Gene Mutation Database (HGMD: prior to June 1st, 2018), and was therefore a candidate for classification through an automated scoring system. Utilizing variant allele frequency, disease prevalence and penetrance estimates, and inheritance mode, an automated score was calculated to assess if this variant is too frequent to cause the disease. Based on the score and internal cut-off values, a variant classified as benign is not then subjected to further curation. The score for this variant resulted in a classification of benign for this disease.

Illumina Laboratory Services, Illumina
Classification: Likely benign for Autosomal dominant hypocalcemia 1. Last evaluated: 2018-01-13. Review status: criteria provided, single submitter. Criteria: ICSL Variant Classification Criteria 13 December 2019. Collection method: clinical testing. Allele origin: germline.
Comment: the same text as in the submission from Illumina Laboratory Services, Illumina above.

Illumina Laboratory Services, Illumina
Classification: Likely benign for Neonatal severe primary hyperparathyroidism. Last evaluated: 2018-01-13. Review status: criteria provided, single submitter. Criteria: ICSL Variant Classification Criteria 13 December 2019. Collection method: clinical testing. Allele origin: germline.
Comment: the same text as in the submission from Illumina Laboratory Services, Illumina above.

PreventionGenetics, part of Exact Sciences
Classification: Likely benign for CASR-related condition. Last evaluated: 2023-10-27. Review status: no assertion criteria provided. Collection method: clinical testing. Allele origin: germline. Not counted in ClinVar's aggregate classification.
Comment: This variant is classified as likely benign based on ACMG/AMP sequence variant interpretation guidelines (Richards et al. 2015 PMID: 25741868, with internal and published modifications).

NM_000388.4(CASR):c.915C>A (p.Ile305=)

Gene: CASR (calcium sensing receptor; plus strand). Cytogenetic location: 3q21.1.
Variant type: single nucleotide variant.
Coding change: c.915C>A on transcript NM_000388.4 (MANE Select); coding-DNA position 915, C replaced by A.
Protein change: p.Ile305=; no amino-acid change (isoleucine 305 retained).
Molecular consequence: synonymous variant.
Genome position (GRCh38, 1-based): chr3:122,261,950, C>A. VCF-style: chr3-122261950-C-A. GRCh37 (hg19) VCF-style: chr3-121980797-C-A.
Other names: c.915C>A (NM_001178065.1); c.915C>A, p.Ile305= (NM_001178065.2).
Identifiers: ClinVar variation 342796 (VCV000342796.24), dbSNP rs200528343, ClinGen allele CA2569560.